The following is an entry in ClinVar:

NM_001379291.1(BRD4):c.3681C>T (p.Phe1227=)

Gene: BRD4 (bromodomain containing 4; minus strand). Cytogenetic location: 19p13.12.
Variant type: single nucleotide variant.
Coding change: c.3681C>T on transcript NM_001379291.1 (MANE Select); coding-DNA position 3681, C replaced by T.
Protein change: p.Phe1227=; no amino-acid change (phenylalanine 1227 retained).
Molecular consequence: synonymous variant.
Genome position (GRCh38, 1-based): chr19:15,239,160, G>A on the plus strand (C>T on the coding strand, the complement: BRD4 is on the minus strand). VCF-style: chr19-15239160-G-A. GRCh37 (hg19) VCF-style: chr19-15349971-G-A.
Other names: c.3681C>T, p.Phe1227= (NM_058243.3).
Identifiers: ClinVar variation 787604 (VCV000787604.38), dbSNP rs148010154, ClinGen allele CA9264564.
Genomic context (GRCh38, chr19:15,239,160, plus strand): 5'-GTGCTCGGCCTGAGCCTTCAGGGCCTTCTCACGCTCCTCTTTCTCCCGAGCGGCGCGGCG[G>A]AACTGCTCGAAGCTGTCGCTGGATGACTTGGCTGTGGAGGAGGGGGTGGTCGGATGCTTC-3'
Protein context (NP_001366220.1, residues 1217-1237): AKSSSDSFEQ[Phe1227=]RRAAREKEER

ClinVar aggregate classification (germline): Benign/Likely benign. Review status: criteria provided, multiple submitters, no conflicts (2 of 4 stars). 4 submissions from 4 submitters: Benign (2); Likely benign (2). Last evaluated 2026-09-01.

Allele frequency attached by ClinVar (database versions not stated): 1000 Genomes Project 0.00020; 1000 Genomes Project 30x 0.00031; TOPMed 0.00293; gnomAD 0.00331 and 0.00343; ESP Exome Variant Server 0.00338; gnomAD exomes 0.00344; ExAC 0.00348.
gnomAD v4.1: 7,078 of 1,612,748 alleles (0.44%); highest among the groups gnomAD compares: Non-Finnish European, 0.52%; 18 homozygotes.

Submissions (4):

CeGaT Center for Human Genetics Tuebingen
Classification: Likely benign. Last evaluated: 2026-09-01. Review status: criteria provided, single submitter. Criteria: CeGaT Center For Human Genetics Tuebingen Variant Classification Criteria Version 2. Collection method: clinical testing. Allele origin: germline. Affected: yes. Observed: 28 variant alleles.
Comment: BRD4: BP4, BP7, BS2

Labcorp Genetics (formerly Invitae), Labcorp
Classification: Benign. Last evaluated: 2026-02-03. Review status: criteria provided, single submitter. Criteria: Invitae Variant Classification Sherloc (09022015). Collection method: clinical testing. Allele origin: germline.

Blueprint Genetics
Classification: Likely benign. Last evaluated: 2024-11-28. Review status: criteria provided, single submitter. Criteria: ACMG Guidelines, 2015. Collection method: clinical testing. Allele origin: germline.

Breakthrough Genomics
Classification: Benign. Review status: criteria provided, single submitter. Criteria: ACMG Guidelines, 2015. Collection method: not provided. Allele origin: germline. Inheritance: Unknown mechanism. Affected: yes.